The following is an entry in ClinVar:

ClinVar aggregate classification (germline): Uncertain significance (1 of 4 stars; one submission).

Allele frequency attached by ClinVar (database versions not stated): gnomAD exomes below 0.00001.
gnomAD v4.1: 1 of 1,613,732 alleles (0.000062%); highest among the groups gnomAD compares: Non-Finnish European, 0.000085%; no homozygotes.

Submission:

Laboratory for Molecular Medicine, Mass General Brigham Personalized Medicine
Classification: Uncertain significance. Last evaluated: 2016-08-30. Review status: criteria provided, single submitter. Criteria: LMM Criteria. Collection method: clinical testing. Allele origin: germline. Observed: 1 variant allele.
Comment: The c.1002-12A>G variant in SLC26A4 has not been previously reported in individu als with hearing loss or Pendred syndrome and was absent from large population s tudies. This variant is located in the 3' splice region. Computational tools do suggest an impact to splicing. However, this information is not predictive enoug h to determine pathogenicity. In summary, the clinical significance of the c.100 2-12A>G variant is uncertain.

NM_000441.2(SLC26A4):c.1002-12A>G

Gene: SLC26A4 (solute carrier family 26 member 4; plus strand). Cytogenetic location: 7q22.3.
Variant type: single nucleotide variant.
Coding change: c.1002-12A>G on transcript NM_000441.2 (MANE Select); 12 bases into the intron before coding-DNA position 1002, A replaced by G.
Molecular consequence: intron variant.
Genome position (GRCh38, 1-based): chr7:107,689,041, A>G. VCF-style: chr7-107689041-A-G. GRCh37 (hg19) VCF-style: chr7-107329486-A-G.
Identifiers: ClinVar variation 505290 (VCV000505290.5), dbSNP rs1554358492, ClinGen allele CA658796988.